The following is an entry in ClinVar:

NM_138295.5(PKD1L1):c.395dup (p.Asp132fs)

Gene: PKD1L1 (polycystin 1 like 1, transient receptor potential channel interacting; minus strand). Cytogenetic location: 7p12.3.
Variant type: Duplication.
Coding change: c.395dup on transcript NM_138295.5 (MANE Select); coding-DNA position 395, one base duplicated (A; older notation c.395dupA).
Protein change: p.Asp132fs; shifts the reading frame from aspartic acid 132.
Molecular consequence: frameshift variant.
Genome position (GRCh38, 1-based): chr7:47,936,849, T duplicated on the plus strand (A on the coding strand, the reverse complement: PKD1L1 is on the minus strand). VCF-style (leftmost placement, unchanged base first): chr7-47936848-A-AT. GRCh37 (hg19) VCF-style: chr7-47976445-A-AT.
Other names: short protein forms D132fs.
Identifiers: ClinVar variation 5007222 (VCV005007222.2).
Genomic context (GRCh38, chr7:47,936,848, plus strand): 5'-GTTCCATGTCATTTGCATGTTCAGAAAAGCAATATTTCGCCATGGTACATTGACATACCT[A>AT]TCAGCACTGTTATCACAATCCAGAGGCGCCTGTGTTTTTTCATTAACAACAGCCTGTGTT-3'

ClinVar aggregate classification (germline): Likely pathogenic (1 of 4 stars; one submission).

Conditions:
Heterotaxy, visceral, 8, autosomal (HTX8). Identifiers: MONDO:0014967, OMIM 617205, MedGen C4310668.

Submission:

Juno Genomics, Hangzhou Juno Genomics, Inc
Classification: Likely pathogenic for Heterotaxy, visceral, 8, autosomal. Review status: criteria provided, single submitter. Criteria: ACMG Guidelines, 2015. Collection method: clinical testing. Allele origin: germline.
Comment: Null variant in a gene where loss of function (LOF) is a known mechanism of disease.;Absent from controls (or at extremely low frequency if recessive) in Genome Aggregation Database.